The following is an entry in ClinVar:

ClinVar aggregate classification (germline): Likely benign. Review status: criteria provided, multiple submitters, no conflicts (2 of 4 stars). 3 submissions from 3 submitters: Likely benign (3). Last evaluated 2026-06-28.

Conditions:
MYO15A-related disorder. Also called: MYO15A-related condition.

Allele frequency attached by ClinVar (database versions not stated): ESP Exome Variant Server 0.00008.
gnomAD v4.1: 61 of 1,613,432 alleles (0.0038%); highest among the groups gnomAD compares: African/African-American, 0.049%; 1 homozygote.

Submissions (3):

PreventionGenetics, part of Exact Sciences
Classification: Likely benign for MYO15A-related condition. Last evaluated: 2026-06-28. Review status: criteria provided, single submitter. Criteria: ACMG Guidelines, 2015. Collection method: clinical testing. Allele origin: germline.
Comment: This variant is classified as likely benign based on ACMG/AMP sequence variant interpretation guidelines (Richards et al. 2015 PMID: 25741868, with internal and published modifications).

Labcorp Genetics (formerly Invitae), Labcorp
Classification: Likely benign. Last evaluated: 2024-03-19. Review status: criteria provided, single submitter. Criteria: Invitae Variant Classification Sherloc (09022015). Collection method: clinical testing. Allele origin: germline.

GeneDx
Classification: Likely benign. Last evaluated: 2019-08-28. Review status: criteria provided, single submitter. Criteria: GeneDx Variant Classification Process June 2021. Collection method: clinical testing. Allele origin: germline. Affected: yes.

NM_016239.4(MYO15A):c.3141C>G (p.Pro1047=)

Gene: MYO15A (myosin XVA; plus strand). Cytogenetic location: 17p11.2.
Variant type: single nucleotide variant.
Coding change: c.3141C>G on transcript NM_016239.4 (MANE Select); coding-DNA position 3141, C replaced by G.
Protein change: p.Pro1047=; no amino-acid change (proline 1047 retained).
Molecular consequence: synonymous variant.
Genome position (GRCh38, 1-based): chr17:18,121,941, C>G. VCF-style: chr17-18121941-C-G. GRCh37 (hg19) VCF-style: chr17-18025255-C-G.
Identifiers: ClinVar variation 1212179 (VCV001212179.12), dbSNP rs368611576, ClinGen allele CA8423392.